The following is an entry in ClinVar:

ClinVar aggregate classification (germline): Uncertain significance (1 of 4 stars; one submission).

Conditions:
Progressive sclerosing poliodystrophy (MTDPS4A). Also called: ALPERS PROGRESSIVE INFANTILE POLIODYSTROPHY; NEURONAL DEGENERATION OF CHILDHOOD WITH LIVER DISEASE, PROGRESSIVE; Alpers Syndrome; ALPERS DIFFUSE DEGENERATION OF CEREBRAL GRAY MATTER WITH HEPATIC CIRRHOSIS; Alpers-Huttenlocher Syndrome; Mitochondrial DNA depletion syndrome 4A (Alpers type). Identifiers: Orphanet 726, MedGen C0205710, MONDO:0008758, OMIM 203700.

Allele frequency attached by ClinVar (database versions not stated): gnomAD exomes below 0.00001.
gnomAD v4.1: 1 of 1,614,148 alleles (0.000062%); highest among the groups gnomAD compares: Non-Finnish European, 0.000085%; no homozygotes.

Submission:

Labcorp Genetics (formerly Invitae), Labcorp
Classification: Uncertain significance for Progressive sclerosing poliodystrophy. Last evaluated: 2023-06-21. Review status: criteria provided, single submitter. Criteria: Invitae Variant Classification Sherloc (09022015). Collection method: clinical testing. Allele origin: germline.
Comment: This sequence change replaces glutamic acid, which is acidic and polar, with lysine, which is basic and polar, at codon 1007 of the POLG protein (p.Glu1007Lys). In summary, the available evidence is currently insufficient to determine the role of this variant in disease. Therefore, it has been classified as a Variant of Uncertain Significance. Advanced modeling of protein sequence and biophysical properties (such as structural, functional, and spatial information, amino acid conservation, physicochemical variation, residue mobility, and thermodynamic stability) performed at Invitae indicates that this missense variant is not expected to disrupt POLG protein function. This variant has not been reported in the literature in individuals affected with POLG-related conditions. This variant is not present in population databases (gnomAD no frequency).

NM_002693.3(POLG):c.3019G>A (p.Glu1007Lys)

Gene: POLG (DNA polymerase gamma, catalytic subunit; minus strand). Cytogenetic location: 15q26.1.
Variant type: single nucleotide variant.
Coding change: c.3019G>A on transcript NM_002693.3 (MANE Select); coding-DNA position 3019, G replaced by A.
Protein change: p.Glu1007Lys; replaces glutamic acid 1007 with lysine.
Molecular consequence: missense variant.
Genome position (GRCh38, 1-based): chr15:89,319,313, C>T on the plus strand (G>A on the coding strand, the complement: POLG is on the minus strand). VCF-style: chr15-89319313-C-T. GRCh37 (hg19) VCF-style: chr15-89862544-C-T.
Other names: c.3019G>A, p.Glu1007Lys (NM_001126131.2); short protein forms E1007K.
Identifiers: ClinVar variation 2720726 (VCV002720726.3), dbSNP rs2509210394, ClinGen allele CA393751428.